The following is an entry in ClinVar:

NM_015047.3(EMC1):c.1670G>T (p.Trp557Leu)

Genes: EMC1 (ER membrane protein complex subunit 1; minus strand), EMC1-AS1 (EMC1 antisense RNA 1; plus strand). Cytogenetic location: 1p36.13.
Variant type: single nucleotide variant.
Coding change: c.1670G>T on transcript NM_015047.3 (MANE Select); coding-DNA position 1670, G replaced by T.
Protein change: p.Trp557Leu; replaces tryptophan 557 with leucine.
Molecular consequence: missense variant.
Genome position (GRCh38, 1-based): chr1:19,232,736, C>A on the plus strand (G>T on the coding strand, the complement: EMC1 is on the minus strand). VCF-style: chr1-19232736-C-A. GRCh37 (hg19) VCF-style: chr1-19559230-C-A.
Other names: c.1667G>T, p.Trp556Leu (NM_001271427.2, NM_001271428.2); c.1604G>T, p.Trp535Leu (NM_001271429.2); c.1679G>T, p.Trp560Leu (NM_001375820.1); c.1676G>T, p.Trp559Leu (NM_001375821.1); short protein forms W535L, W556L, W557L, W559L, W560L.
Identifiers: ClinVar variation 1320136 (VCV001320136.6), dbSNP rs2151949470, ClinGen allele CA338761185.

ClinVar aggregate classification (germline): Uncertain significance. Review status: criteria provided, multiple submitters, no conflicts (2 of 4 stars). 2 submissions from 2 submitters: Uncertain significance (2). Last evaluated 2022-01-17.

Conditions:
Cerebellar atrophy, visual impairment, and psychomotor retardation;. Also called: Cerebellar atrophy, visual impairment, and psychomotor retardation. Identifiers: MedGen C4225172, MONDO:0014811, OMIM 616875.

Submissions (2):

Labcorp Genetics (formerly Invitae), Labcorp
Classification: Uncertain significance. Last evaluated: 2022-01-17. Review status: criteria provided, single submitter. Criteria: Invitae Variant Classification Sherloc (09022015). Collection method: clinical testing. Allele origin: germline.
Comment: In summary, the available evidence is currently insufficient to determine the role of this variant in disease. Therefore, it has been classified as a Variant of Uncertain Significance. Algorithms developed to predict the effect of missense changes on protein structure and function (SIFT, PolyPhen-2, Align-GVGD) all suggest that this variant is likely to be disruptive. ClinVar contains an entry for this variant (Variation ID: 1320136). This variant has not been reported in the literature in individuals affected with EMC1-related conditions. This variant is not present in population databases (gnomAD no frequency). This sequence change replaces tryptophan, which is neutral and slightly polar, with leucine, which is neutral and non-polar, at codon 557 of the EMC1 protein (p.Trp557Leu).

3billion
Classification: Uncertain significance for Cerebellar atrophy, visual impairment, and psychomotor retardation;. Last evaluated: 2021-10-02. Review status: criteria provided, single submitter. Criteria: ACMG Guidelines, 2015. Collection method: clinical testing. Allele origin: maternal. Affected: yes. Observed: 1 heterozygote.
Comment: The variant was observed in trans with a pathogenic variant (NM_015047.2:c.2T>G ) as compound heterozygous (3billion dataset, PM3). It is not observed in the gnomAD v2.1.1 dataset (PM2).Therefore, this variant is classified as uncertain significance according to the recommendation of ACMG/AMP guideline.